The following is an entry in ClinVar:

NM_001267550.2(TTN):c.74921AAG[1] (p.Glu24975del)

Genes: TTN (titin; minus strand), TTN-AS1 (TTN antisense RNA 1; plus strand). Cytogenetic location: 2q31.2.
Variant type: Microsatellite.
Coding change: c.74921AAG[1] on transcript NM_001267550.2 (MANE Select); one copy of the 3-base unit AAG starting at c.74921; the reference has two copies in a row; one copy, 3 bases deleted.
Protein change: p.Glu24975del; deletes glutamic acid 24975.
Molecular consequence: inframe deletion.
Genome position (GRCh38, 1-based): chr2:178,571,206-178,571,208, CTT deleted on the plus strand (AAG on the coding strand, the reverse complement: TTN is on the minus strand); deleting any 3 consecutive bases within chr2:178,571,206-178,571,212 gives the same sequence; the position shown is the placement nearest the transcript's 3' end. VCF-style (leftmost placement, unchanged base first): chr2-178571205-CCTT-C. GRCh37 (hg19) VCF-style: chr2-179435932-CCTT-C.
Other names: c.74924_74926delAAG (NM_001267550.2); c.47729_47731delAAG (NM_003319.4); c.69998AAG[1], p.Glu23334del (NM_001256850.1); c.47726AAG[1], p.Glu15910del (NM_003319.4); c.67217AAG[1], p.Glu22407del (NM_133378.4); c.48101AAG[1], p.Glu16035del (NM_133432.3); c.48302AAG[1], p.Glu16102del (NM_133437.4); short protein forms E16035del, E22407del, E23334del, E24975del, E15910del, E16102del.
Identifiers: ClinVar variation 1742980 (VCV001742980.3), dbSNP rs760739180, ClinGen allele CA1990125.

ClinVar aggregate classification (germline): Uncertain significance. Review status: criteria provided, multiple submitters, no conflicts (2 of 4 stars). 2 submissions from 2 submitters: Uncertain significance (2). Last evaluated 2026-04-04.

Conditions:
TTN-related disorder. Also called: TTN-related disorders; TTN-related condition; TTN-related disease.
Cardiovascular phenotype. Identifiers: MedGen CN230736.

Submissions (2):

PreventionGenetics, part of Exact Sciences
Classification: Uncertain significance for TTN-related condition. Last evaluated: 2026-04-04. Review status: criteria provided, single submitter. Criteria: ACMG Guidelines, 2015. Collection method: clinical testing. Allele origin: germline.
Comment: The TTN c.74924_74926delAAG variant is predicted to result in an in-frame deletion (p.Glu24975del). To our knowledge, this variant has not been reported in the literature. This variant is reported in 0.012% of alleles in individuals of African descent in gnomAD. At this time, the clinical significance of this variant is uncertain due to the absence of conclusive functional and genetic evidence.

Ambry Genetics
Classification: Uncertain significance for Cardiovascular phenotype. Last evaluated: 2020-03-25. Review status: criteria provided, single submitter. Criteria: Ambry Variant Classification Scheme 2023. Collection method: clinical testing. Allele origin: germline.
Comment: The c.47729_47731delAAG variant (also known as p.E15910del), located in coding exon 153 of the TTN gene, results from an in-frame AAG deletion at nucleotide positions 47729 to 47731. This results in the in-frame deletion of a glutamic acid residue at codon 15910. This amino acid position is highly conserved in available vertebrate species. In addition, this alteration is predicted to be deleterious by in silico analysis (Choi Y et al. PLoS ONE. 2012; 7(10):e46688). Since supporting evidence is limited at this time, the clinical significance of this alteration remains unclear.